The following is an entry in ClinVar:

ClinVar aggregate classification (germline): Uncertain significance (1 of 4 stars; one submission).

Conditions:
Cardiovascular phenotype. Identifiers: MedGen CN230736.

Submission:

Ambry Genetics
Classification: Uncertain significance for Cardiovascular phenotype. Last evaluated: 2023-01-25. Review status: criteria provided, single submitter. Criteria: Ambry Variant Classification Scheme 2023. Collection method: clinical testing. Allele origin: germline.
Comment: The p.E131D variant (also known as c.393G>T), located in coding exon 3 of the BGN gene, results from a G to T substitution at nucleotide position 393. The glutamic acid at codon 131 is replaced by aspartic acid, an amino acid with highly similar properties. This amino acid position is conserved. In addition, this alteration is predicted to be tolerated by in silico analysis. Since supporting evidence is limited at this time, the clinical significance of this alteration remains unclear.

NM_001711.6(BGN):c.393G>T (p.Glu131Asp)

Gene: BGN (biglycan; plus strand). Cytogenetic location: Xq28.
Variant type: single nucleotide variant.
Coding change: c.393G>T on transcript NM_001711.6 (MANE Select); coding-DNA position 393, G replaced by T.
Protein change: p.Glu131Asp; replaces glutamic acid 131 with aspartic acid.
Molecular consequence: missense variant.
Genome position (GRCh38, 1-based): chrX:153,505,904, G>T. VCF-style: chrX-153505904-G-T. GRCh37 (hg19) VCF-style: chrX-152771362-G-T.
Other names: short protein forms E131D.
Identifiers: ClinVar variation 2450210 (VCV002450210.2), dbSNP rs2521213192, ClinGen allele CA415069316.
Genomic context (GRCh38, chrX:153,505,904, plus strand): 5'-TCCGCCCACCCTGCTTCAGGCCCTCGTCCTGGTGAACAACAAGATCTCCAAGATCCATGA[G>T]AAGGCCTTCAGCCCACTGCGGAAGCTGCAGAAGCTCTACATCTCCAAGAACCACCTGGTG-3'
Protein context (NP_001702.1, residues 121-141): LVNNKISKIH[Glu131Asp]KAFSPLRKLQ